The following is an entry in ClinVar:

ClinVar aggregate classification (germline): Pathogenic (1 of 4 stars; one submission).

Conditions:
Fabry disease. Also called: Fabry's disease; ALPHA-GALACTOSIDASE A DEFICIENCY; ANDERSON-FABRY DISEASE; CERAMIDE TRIHEXOSIDASE DEFICIENCY; GLA DEFICIENCY; HEREDITARY DYSTOPIC LIPIDOSIS. Identifiers: Orphanet 324, MedGen C0002986, MONDO:0010526, OMIM 301500, HP:0001071. Disease mechanism: Fabry disease is due to inactivating mutations in the X-linked GLA gene resulting in deficiency of the enzyme Alpha Galactosidase-A., loss of function.

Submission:

Labcorp Genetics (formerly Invitae), Labcorp
Classification: Pathogenic for Fabry disease. Last evaluated: 2022-04-22. Review status: criteria provided, single submitter. Criteria: Invitae Variant Classification Sherloc (09022015). Collection method: clinical testing. Allele origin: germline.
Comment: For these reasons, this variant has been classified as Pathogenic. A similar copy number variant has been observed in individual(s) with Fabry disease (PMID: 2539398, 18472290). It has also been observed to segregate with disease in related individuals. This variant is a gross deletion of the genomic region encompassing exon(s) 3-4 of the GLA gene. This variant would be expected to be in-frame, preserving the integrity of the reading frame.

Literature cited by the submitters: PubMed 2539398; PubMed 18472290.

NC_000023.10:g.(?_100655634)_(100656817_?)del

Genes: GLA (galactosidase alpha; minus strand), RPL36A-HNRNPH2 (RPL36A-HNRNPH2 readthrough; plus strand). Cytogenetic location: Xq22.1.
Variant type: Deletion.
Identifiers: ClinVar variation 2422511 (VCV002422511.11).